The following is an entry in ClinVar:

NM_021956.5(GRIK2):c.923A>C (p.Asp308Ala)

Gene: GRIK2 (glutamate ionotropic receptor kainate type subunit 2; plus strand). Cytogenetic location: 6q16.3.
Variant type: single nucleotide variant.
Coding change: c.923A>C on transcript NM_021956.5 (MANE Select); coding-DNA position 923, A replaced by C.
Protein change: p.Asp308Ala; replaces aspartic acid 308 with alanine.
Molecular consequence: missense variant.
Genome position (GRCh38, 1-based): chr6:101,686,325, A>C. VCF-style: chr6-101686325-A-C. GRCh37 (hg19) VCF-style: chr6-102134200-A-C.
Other names: c.923A>C, p.Asp308Ala (NM_001166247.1, NM_175768.3); short protein forms D308A.
Identifiers: ClinVar variation 2601486 (VCV002601486.4), dbSNP rs376814973, ClinGen allele CA3939434.

ClinVar aggregate classification (germline): Uncertain significance. Review status: criteria provided, single submitter (1 of 4 stars). 2 submissions from 2 submitters: Uncertain significance (1). 1 of the submissions does not count toward it. Last evaluated 2025-09-22.

Conditions:
Inborn genetic diseases. Identifiers: MedGen C0950123, MeSH D030342.
GRIK2-related disorder. Also called: GRIK2-related condition.

Allele frequency attached by ClinVar (database versions not stated): ESP Exome Variant Server 0.00008; gnomAD exomes below 0.00001; ExAC 0.00001.
gnomAD v4.1: 2 of 1,613,524 alleles (0.00012%); highest among the groups gnomAD compares: Non-Finnish European, 0.00017%; no homozygotes.

Submissions (2):

Ambry Genetics
Classification: Uncertain significance for Inborn genetic diseases. Last evaluated: 2025-09-22. Review status: criteria provided, single submitter. Criteria: Ambry Variant Classification Scheme 2023. Collection method: clinical testing. Allele origin: germline.

PreventionGenetics, part of Exact Sciences
Classification: Uncertain significance for GRIK2-related condition. Last evaluated: 2024-06-27. Review status: no assertion criteria provided. Collection method: clinical testing. Allele origin: germline. Not counted in ClinVar's aggregate classification.
Comment: The GRIK2 c.923A>C variant is predicted to result in the amino acid substitution p.Asp308Ala. To our knowledge, this variant has not been reported in the literature. This variant is reported in 0.0018% of alleles in individuals of European (Non-Finnish) descent in gnomAD. At this time, the clinical significance of this variant is uncertain due to the absence of conclusive functional and genetic evidence.